The following is an entry in ClinVar:

ClinVar aggregate classification (germline): Likely benign. Review status: criteria provided, multiple submitters, no conflicts (2 of 4 stars). 2 submissions from 2 submitters: Likely benign (2). Last evaluated 2026-02-04.

Conditions:
TNF receptor-associated periodic fever syndrome (TRAPS) (FPF). Also called: FAMILIAL HIBERNIAN FEVER; TNF RECEPTOR-ASSOCIATED PERIODIC SYNDROME; TUMOR NECROSIS FACTOR RECEPTOR-ASSOCIATED PERIODIC SYNDROME; Autosomal Dominant Familial Periodic Fever; TNF Receptor-Associated Periodic Fever Syndrome; TNF receptor 1-associated periodic fever syndrome. Identifiers: Orphanet 32960, MedGen C1275126, MONDO:0007727, OMIM 142680.

Allele frequency attached by ClinVar (database versions not stated): gnomAD exomes 0.00002; TOPMed 0.00015; gnomAD 0.00021.
gnomAD v4.1: 62 of 1,582,242 alleles (0.0039%); highest among the groups gnomAD compares: Admixed American, 0.11%; no homozygotes.

Submissions (2):

Women's Health and Genetics/Laboratory Corporation of America, LabCorp
Classification: Likely benign. Last evaluated: 2026-02-04. Review status: criteria provided, single submitter. Criteria: LabCorp Variant Classification Summary - May 2015. Collection method: clinical testing. Allele origin: germline.
Comment: Variant summary: TNFRSF1A c.943G>A (p.Ala315Thr) results in a non-conservative amino acid change in the encoded protein sequence. Algorithms developed to predict the effect of missense changes on protein structure and function are either unavailable or do not agree on the potential impact of this missense change. The variant allele was found at a frequency of 0.00013 in 192974 control chromosomes. The observed variant frequency exceeds the estimated maximal expected allele frequency for disease-causing variants in TNFRSF1A. To our knowledge, no occurrence of c.943G>A in individuals affected with TNFRSF1A-related conditions and no experimental evidence demonstrating its impact on protein function have been reported. ClinVar contains an entry for this variant (Variation ID: 2199429). Based on the evidence outlined above, the variant was classified as likely benign.

Labcorp Genetics (formerly Invitae), Labcorp
Classification: Likely benign for TNF receptor-associated periodic fever syndrome (TRAPS). Last evaluated: 2025-09-12. Review status: criteria provided, single submitter. Criteria: Invitae Variant Classification Sherloc (09022015). Collection method: clinical testing. Allele origin: germline.

NM_001065.4(TNFRSF1A):c.943G>A (p.Ala315Thr)

Gene: TNFRSF1A (TNF receptor superfamily member 1A; minus strand). Cytogenetic location: 12p13.31.
Variant type: single nucleotide variant.
Coding change: c.943G>A on transcript NM_001065.4 (MANE Select); coding-DNA position 943, G replaced by A.
Protein change: p.Ala315Thr; replaces alanine 315 with threonine.
Molecular consequence: missense variant. On other transcripts: non-coding transcript variant (1).
Genome position (GRCh38, 1-based): chr12:6,329,892, C>T on the plus strand (G>A on the coding strand, the complement: TNFRSF1A is on the minus strand). VCF-style: chr12-6329892-C-T. GRCh37 (hg19) VCF-style: chr12-6439058-C-T.
Other names: c.619G>A, p.Ala207Thr (NM_001346091.2); c.484G>A, p.Ala162Thr (NM_001346092.2); short protein forms A162T, A207T, A315T.
Identifiers: ClinVar variation 2199429 (VCV002199429.5), dbSNP rs866544355, ClinGen allele CA232326255.